The following is an entry in ClinVar:

NM_017514.5(PLXNA3):c.4190G>A (p.Ser1397Asn)

Gene: PLXNA3 (plexin A3; plus strand). Cytogenetic location: Xq28.
Variant type: single nucleotide variant.
Coding change: c.4190G>A on transcript NM_017514.5 (MANE Select); coding-DNA position 4190, G replaced by A.
Protein change: p.Ser1397Asn; replaces serine 1397 with asparagine.
Molecular consequence: missense variant.
Genome position (GRCh38, 1-based): chrX:154,468,529, G>A. VCF-style: chrX-154468529-G-A. GRCh37 (hg19) VCF-style: chrX-153696872-G-A.
Other names: c.4190G>A (NM_017514.3); short protein forms S1397N.
Identifiers: ClinVar variation 3347330 (VCV003347330.2).

ClinVar aggregate classification (germline): Uncertain significance. Review status: criteria provided, single submitter (1 of 4 stars). 2 submissions from 2 submitters: Uncertain significance (1). 1 of the submissions does not count toward it. Last evaluated 2025-12-11.

Conditions:
PLXNA3-related disorder. Also called: PLXNA3-related condition.

gnomAD v4.1: 3 of 1,209,011 alleles (0.00025%); highest among the groups gnomAD compares: Non-Finnish European, 0.00034%; no homozygotes.

Submissions (2):

Ambry Genetics
Classification: Uncertain significance. Last evaluated: 2025-12-11. Review status: criteria provided, single submitter. Criteria: Ambry Variant Classification Scheme 2023. Collection method: clinical testing. Allele origin: germline.

PreventionGenetics, part of Exact Sciences
Classification: Uncertain significance for PLXNA3-related condition. Last evaluated: 2024-07-10. Review status: no assertion criteria provided. Collection method: clinical testing. Allele origin: germline. Not counted in ClinVar's aggregate classification.
Comment: The PLXNA3 c.4190G>A variant is predicted to result in the amino acid substitution p.Ser1397Asn. To our knowledge, this variant has not been reported in the literature or in a large population database, indicating this variant is rare. At this time, the clinical significance of this variant is uncertain due to the absence of conclusive functional and genetic evidence.